The following is an entry in ClinVar:

NM_004655.4(AXIN2):c.1411C>T (p.His471Tyr)

Gene: AXIN2 (axin 2; minus strand). Cytogenetic location: 17q24.1.
Variant type: single nucleotide variant.
Coding change: c.1411C>T on transcript NM_004655.4 (MANE Select); coding-DNA position 1411, C replaced by T.
Protein change: p.His471Tyr; replaces histidine 471 with tyrosine.
Molecular consequence: missense variant.
Genome position (GRCh38, 1-based): chr17:65,537,625, G>A on the plus strand (C>T on the coding strand, the complement: AXIN2 is on the minus strand). VCF-style: chr17-65537625-G-A. GRCh37 (hg19) VCF-style: chr17-63533743-G-A.
Other names: c.1411C>T (LRG_296t1); c.1411C>T, p.His471Tyr (NM_001363813.1); short protein forms H471Y.
Identifiers: ClinVar variation 641175 (VCV000641175.14), dbSNP rs544255284, ClinGen allele CA8718654.

ClinVar aggregate classification (germline): Conflicting classifications of pathogenicity. Review status: criteria provided, conflicting classifications (1 of 4 stars). 4 submissions from 4 submitters: Uncertain significance (3); Likely benign (1). Last evaluated 2025-12-13.

Conditions:
Hereditary cancer-predisposing syndrome. Also called: Neoplastic Syndromes, Hereditary; Tumor predisposition; Hereditary Cancer Syndrome; Hereditary neoplastic syndrome. Identifiers: Orphanet 140162, MedGen C0027672, MeSH D009386, MONDO:0015356.
Colorectal cancer. Also called: Colorectal cancer, somatic; Malignant Colorectal Neoplasm. Identifiers: MedGen C0346629, MONDO:0005575, OMIM 114500.
Oligodontia-cancer predisposition syndrome. Also called: TOOTH AGENESIS-COLORECTAL CANCER SYNDROME. Identifiers: Orphanet 300576, MedGen C1837750, MONDO:0012075, OMIM 608615. Disease mechanism: loss of function.

Allele frequency attached by ClinVar (database versions not stated): gnomAD exomes below 0.00001 and 0.00001; TOPMed 0.00002; ExAC 0.00003; gnomAD 0.00003 and 0.00004; 1000 Genomes Project 30x 0.00016; 1000 Genomes Project 0.00020.
gnomAD v4.1: 8 of 1,593,694 alleles (0.0005%); highest among the groups gnomAD compares: African/African-American, 0.011%; no homozygotes.

Submissions (4):

Labcorp Genetics (formerly Invitae), Labcorp
Classification: Uncertain significance for Oligodontia-cancer predisposition syndrome. Last evaluated: 2025-12-13. Review status: criteria provided, single submitter. Criteria: Invitae Variant Classification Sherloc (09022015). Collection method: clinical testing. Allele origin: germline.
Comment: This sequence change replaces histidine, which is basic and polar, with tyrosine, which is neutral and polar, at codon 471 of the AXIN2 protein (p.His471Tyr). The frequency data for this variant in the population databases is considered unreliable, as metrics indicate poor data quality at this position in the gnomAD database. This variant has not been reported in the literature in individuals affected with AXIN2-related conditions. ClinVar contains an entry for this variant (Variation ID: 641175). Invitae Evidence Modeling of protein sequence and biophysical properties (such as structural, functional, and spatial information, amino acid conservation, physicochemical variation, residue mobility, and thermodynamic stability) indicates that this missense variant is not expected to disrupt AXIN2 protein function with a negative predictive value of 80%. In summary, the available evidence is currently insufficient to determine the role of this variant in disease. Therefore, it has been classified as a Variant of Uncertain Significance.

GeneDx
Classification: Uncertain significance. Last evaluated: 2024-12-06. Review status: criteria provided, single submitter. Criteria: GeneDx Variant Classification Process June 2021. Collection method: clinical testing. Allele origin: germline. Affected: yes.
Comment: Not observed at significant frequency in large population cohorts (gnomAD); In silico analysis indicates that this missense variant does not alter protein structure/function; Has not been previously published as pathogenic or benign to our knowledge; This variant is associated with the following publications: (PMID: 15735151)

Baylor Genetics
Classification: Uncertain significance for Colorectal cancer. Last evaluated: 2023-10-10. Review status: criteria provided, single submitter. Criteria: ACMG Guidelines, 2015. Collection method: clinical testing. Allele origin: unknown.

Ambry Genetics
Classification: Likely benign for Hereditary cancer-predisposing syndrome. Last evaluated: 2023-08-25. Review status: criteria provided, single submitter. Criteria: Ambry Variant Classification Scheme 2023. Collection method: clinical testing. Allele origin: germline.